The following is an entry in ClinVar:

ClinVar aggregate classification (germline): Uncertain significance. Review status: criteria provided, multiple submitters, no conflicts (2 of 4 stars). 2 submissions from 2 submitters: Uncertain significance (2). Last evaluated 2024-02-22.

Conditions:
Cardiovascular phenotype. Identifiers: MedGen CN230736.
Long QT syndrome (LQTS). Identifiers: MedGen C0023976, MeSH D008133, MONDO:0002442. Disease mechanism: loss of function. Inheritance: Various modes of inheritance.

gnomAD v4.1: 45 of 1,612,990 alleles (0.0028%); highest among the groups gnomAD compares: Non-Finnish European, 0.0037%; no homozygotes.

Submissions (2):

Ambry Genetics
Classification: Uncertain significance for Cardiovascular phenotype. Last evaluated: 2024-02-22. Review status: criteria provided, single submitter. Criteria: Ambry Variant Classification Scheme 2023. Collection method: clinical testing. Allele origin: germline.
Comment: The p.I809F variant (also known as c.2425A>T), located in coding exon 8 of the AKAP9 gene, results from an A to T substitution at nucleotide position 2425. The isoleucine at codon 809 is replaced by phenylalanine, an amino acid with highly similar properties. This amino acid position is poorly conserved in available vertebrate species. In addition, this alteration is predicted to be tolerated by in silico analysis. Since supporting evidence is limited at this time, the clinical significance of this alteration remains unclear.

Labcorp Genetics (formerly Invitae), Labcorp
Classification: Uncertain significance for Long QT syndrome. Last evaluated: 2021-11-19. Review status: criteria provided, single submitter. Criteria: Invitae Variant Classification Sherloc (09022015). Collection method: clinical testing. Allele origin: germline.
Comment: This sequence change replaces isoleucine, which is neutral and non-polar, with phenylalanine, which is neutral and non-polar, at codon 809 of the AKAP9 protein (p.Ile809Phe). In summary, the available evidence is currently insufficient to determine the role of this variant in disease. Therefore, it has been classified as a Variant of Uncertain Significance. Algorithms developed to predict the effect of missense changes on protein structure and function (SIFT, PolyPhen-2, Align-GVGD) all suggest that this variant is likely to be tolerated. This variant has not been reported in the literature in individuals affected with AKAP9-related conditions. This variant is not present in population databases (gnomAD no frequency).

NM_005751.5(AKAP9):c.2425A>T (p.Ile809Phe)

Gene: AKAP9 (A-kinase anchoring protein 9; plus strand). Cytogenetic location: 7q21.2.
Variant type: single nucleotide variant.
Coding change: c.2425A>T on transcript NM_005751.5 (MANE Select); coding-DNA position 2425, A replaced by T.
Protein change: p.Ile809Phe; replaces isoleucine 809 with phenylalanine.
Molecular consequence: missense variant.
Genome position (GRCh38, 1-based): chr7:92,002,342, A>T. VCF-style: chr7-92002342-A-T. GRCh37 (hg19) VCF-style: chr7-91631656-A-T.
Other names: c.2425A>T, p.Ile809Phe (NM_147185.3); short protein forms I809F.
Identifiers: ClinVar variation 1372719 (VCV001372719.8), dbSNP rs144615758, ClinGen allele CA368124084.